The following is an entry in ClinVar:

NM_001401501.2(MUC16):c.39007G>A (p.Glu13003Lys)

Gene: MUC16 (mucin 16, cell surface associated; minus strand). Cytogenetic location: 19p13.2.
Variant type: single nucleotide variant.
Coding change: c.39007G>A on transcript NM_001401501.2 (MANE Select); coding-DNA position 39007, G replaced by A.
Protein change: p.Glu13003Lys; replaces glutamic acid 13003 with lysine.
Molecular consequence: missense variant.
Genome position (GRCh38, 1-based): chr19:8,900,736, C>T on the plus strand (G>A on the coding strand, the complement: MUC16 is on the minus strand). VCF-style: chr19-8900736-C-T. GRCh37 (hg19) VCF-style: chr19-9011412-C-T.
Other names: c.39433G>A, p.Glu13145Lys (NM_001414686.1); c.38887G>A, p.Glu12963Lys (NM_001414687.1); c.38821G>A, p.Glu12941Lys (NM_024690.2); short protein forms E12941K, E12963K, E13003K, E13145K.
Identifiers: ClinVar variation 3037235 (VCV003037235.2), dbSNP rs114676657, ClinGen allele CA9164368.

ClinVar aggregate classification (germline): Benign (0 of 4 stars; one submission).

Conditions:
MUC16-related disorder. Also called: MUC16-related condition.

Allele frequency attached by ClinVar (database versions not stated): 1000 Genomes Project 0.01318; 1000 Genomes Project 30x 0.01483; gnomAD 0.01906; ESP Exome Variant Server 0.02135.

Submission:

PreventionGenetics, part of Exact Sciences
Classification: Benign for MUC16-related condition. Last evaluated: 2019-11-26. Review status: no assertion criteria provided. Collection method: clinical testing. Allele origin: germline.
Comment: This variant is classified as benign based on ACMG/AMP sequence variant interpretation guidelines (Richards et al. 2015 PMID: 25741868, with internal and published modifications).